The following is an entry in ClinVar:

ClinVar aggregate classification (germline): Benign (1 of 4 stars; one submission).

Allele frequency attached by ClinVar (database versions not stated): TOPMed 0.98296; 1000 Genomes Project 0.98283; gnomAD 0.98386; 1000 Genomes Project 30x 0.98251.

Submission:

GeneDx
Classification: Benign. Last evaluated: 2018-06-14. Review status: criteria provided, single submitter. Criteria: GeneDx Variant Classification (06012015). Collection method: clinical testing. Allele origin: germline. Affected: yes.
Comment: This variant is considered likely benign or benign based on one or more of the following criteria: it is a conservative change, it occurs at a poorly conserved position in the protein, it is predicted to be benign by multiple in silico algorithms, and/or has population frequency not consistent with disease.

NM_014251.3(SLC25A13):c.754+202A>G

Gene: SLC25A13 (solute carrier family 25 member 13; minus strand). Cytogenetic location: 7q21.3.
Variant type: single nucleotide variant.
Coding change: c.754+202A>G on transcript NM_014251.3 (MANE Select); 202 bases into the intron after coding-DNA position 754, A replaced by G.
Molecular consequence: intron variant.
Genome position (GRCh38, 1-based): chr7:96,190,907, T>C on the plus strand (A>G on the coding strand, the complement: SLC25A13 is on the minus strand). VCF-style: chr7-96190907-T-C. GRCh37 (hg19) VCF-style: chr7-95820219-T-C.
Other names: c.754+202A>G (NM_001160210.2).
Identifiers: ClinVar variation 683863 (VCV000683863.1), dbSNP rs4487672, ClinGen allele CA162995447.
Genomic context (GRCh38, chr7:96,190,907, plus strand): 5'-AGGTGATCCACCCACCTCGGCCTCCCAAACTGCTGGGATTTCAGGTGTGAGTCACCAAGC[T>C]GGGCCCAGTTTGTTTAAAACTTGGTGAAGATTGTTTTGTTTGCTTTTGTTTGTCTGATCA-3'